The following is an entry in ClinVar:

NM_001037501.5(NBPF8):c.978G>A (p.Gln326=)

Gene: NBPF8 (NBPF member 8; plus strand). Cytogenetic location: 1p11.2.
Variant type: single nucleotide variant.
Coding change: c.978G>A on transcript NM_001037501.5 (MANE Select); coding-DNA position 978, G replaced by A.
Protein change: p.Gln326=; no amino-acid change (glutamine 326 retained).
Molecular consequence: synonymous variant. On other transcripts: non-coding transcript variant (2).
Genome position (GRCh38, 1-based): chr1:120,449,392, G>A. VCF-style: chr1-120449392-G-A. GRCh37 (hg19) VCF-style: chr1-144621646-G-A.
Identifiers: ClinVar variation 2639060 (VCV002639060.23), dbSNP rs188186385, ClinGen allele CA420202138.

ClinVar aggregate classification (germline): Likely benign (1 of 4 stars; one submission).

Allele frequency attached by ClinVar (database versions not stated): gnomAD exomes 0.00007; ExAC 0.00011; gnomAD 0.00027; 1000 Genomes Project 0.00080; 1000 Genomes Project 30x 0.00109.
gnomAD v4.1: 142 of 1,450,986 alleles (0.0098%); highest among the groups gnomAD compares: Middle Eastern, 0.11%; no homozygotes.

Submission:

CeGaT Center for Human Genetics Tuebingen
Classification: Likely benign. Last evaluated: 2022-04-01. Review status: criteria provided, single submitter. Criteria: CeGaT Center For Human Genetics Tuebingen Variant Classification Criteria Version 2. Collection method: clinical testing. Allele origin: germline. Affected: yes. Observed: 1 variant allele.
Comment: NBPF9: BP4, BP7